The following is an entry in ClinVar:

NM_000059.4(BRCA2):c.9319A>G (p.Ile3107Val)

Gene: BRCA2 (BRCA2 DNA repair associated; plus strand). Cytogenetic location: 13q13.1.
Variant type: single nucleotide variant.
Coding change: c.9319A>G on transcript NM_000059.4 (MANE Select); coding-DNA position 9319, A replaced by G.
Protein change: p.Ile3107Val; replaces isoleucine 3107 with valine.
Molecular consequence: missense variant.
Genome position (GRCh38, 1-based): chr13:32,394,751, A>G. VCF-style: chr13-32394751-A-G. GRCh37 (hg19) VCF-style: chr13-32968888-A-G.
Other names: short protein forms I3107V.
Identifiers: ClinVar variation 252459 (VCV000252459.21), dbSNP rs879255336, ClinGen allele CA10586015.
Genomic context (GRCh38, chr13:32,394,751, plus strand): 5'-CTTGCCCCTTTCGTCTATTTGTCAGACGAATGTTACAATTTACTGGCAATAAAGTTTTGG[A>G]TAGACCTTAATGAGGACATTATTAAGCCTCATATGTTAATTGCTGCAAGCAACCTCCAGT-3'
Protein context (NP_000050.3, residues 3097-3117): CYNLLAIKFW[Ile3107Val]DLNEDIIKPH

ClinVar aggregate classification (germline): Conflicting classifications of pathogenicity. Review status: criteria provided, conflicting classifications (1 of 4 stars). 8 submissions from 8 submitters: Uncertain significance (6); Likely benign (2). Last evaluated 2026-09-26.

Conditions:
BRCA2-related disorder. Also called: BRCA2-related condition; BRCA2-related disorders. Identifiers: MedGen CN239275.
Hereditary cancer-predisposing syndrome. Also called: Neoplastic Syndromes, Hereditary; Hereditary neoplastic syndrome; Hereditary Cancer Syndrome; Tumor predisposition. Identifiers: Orphanet 140162, MedGen C0027672, MeSH D009386, MONDO:0015356.
Hereditary breast ovarian cancer syndrome. Also called: Hereditary breast and ovarian cancer syndrome; Hereditary breast and/or ovarian cancer syndrome; BRCA1- and BRCA2-Associated Hereditary Breast and Ovarian Cancer; Breast and ovarian cancer; Hereditary breast and ovarian cancer syndrome (HBOC); Hereditary breast and ovarian cancer. Identifiers: Orphanet 145, MedGen C0677776, MeSH D061325, MONDO:0003582. Disease mechanism: loss of function.

Allele frequency attached by ClinVar (database versions not stated): TOPMed below 0.00001; gnomAD exomes 0.00001.
gnomAD v4.1: 4 of 1,614,002 alleles (0.00025%); highest among the groups gnomAD compares: Admixed American, 0.0067%; no homozygotes.

Submissions (8):

PreventionGenetics, part of Exact Sciences
Classification: Uncertain significance for BRCA2-related condition. Last evaluated: 2026-09-26. Review status: criteria provided, single submitter. Criteria: ACMG Guidelines, 2015. Collection method: clinical testing. Allele origin: germline.
Comment: The BRCA2 c.9319A>G variant is predicted to result in the amino acid substitution p.Ile3107Val. This variant has been reported in an individual with breast cancer (Ren et al. 2021. PubMed ID: 34196900). It is reported in 0.0087% of alleles in individuals of Latino descent in gnomAD and has conflicting interpretations in ClinVar ranging from likely benign to uncertain (Variation ID: 252459). At this time, the clinical significance of this variant is uncertain due to the absence of conclusive functional and genetic evidence.

Labcorp Genetics (formerly Invitae), Labcorp
Classification: Uncertain significance for Hereditary breast ovarian cancer syndrome. Last evaluated: 2025-08-26. Review status: criteria provided, single submitter. Criteria: Invitae Variant Classification Sherloc (09022015). Collection method: clinical testing. Allele origin: germline.
Comment: This sequence change replaces isoleucine, which is neutral and non-polar, with valine, which is neutral and non-polar, at codon 3107 of the BRCA2 protein (p.Ile3107Val). This variant is present in population databases (no rsID available, gnomAD 0.009%). This missense change has been observed in individual(s) with breast cancer (PMID: 34196900). ClinVar contains an entry for this variant (Variation ID: 252459). Invitae Evidence Modeling of protein sequence and biophysical properties (such as structural, functional, and spatial information, amino acid conservation, physicochemical variation, residue mobility, and thermodynamic stability) indicates that this missense variant is not expected to disrupt BRCA2 protein function with a negative predictive value of 95%. In summary, the available evidence is currently insufficient to determine the role of this variant in disease. Therefore, it has been classified as a Variant of Uncertain Significance.

Color Diagnostics, LLC DBA Color Health
Classification: Likely benign for Hereditary cancer-predisposing syndrome. Last evaluated: 2025-08-20. Review status: criteria provided, single submitter. Criteria: ACMG Guidelines, 2015. Collection method: clinical testing. Allele origin: germline.

Ambry Genetics
Classification: Likely benign for Hereditary cancer-predisposing syndrome. Last evaluated: 2025-05-15. Review status: criteria provided, single submitter. Criteria: Ambry Variant Classification Scheme 2023. Collection method: clinical testing. Allele origin: germline.

GeneDx
Classification: Uncertain significance. Last evaluated: 2022-08-11. Review status: criteria provided, single submitter. Criteria: GeneDx Variant Classification Process June 2021. Collection method: clinical testing. Allele origin: germline. Affected: yes.
Comment: Not observed at significant frequency in large population cohorts (gnomAD); In silico analysis supports that this missense variant does not alter protein structure/function; Has not been previously published as pathogenic or benign to our knowledge; Also known as 9547A>G; This variant is associated with the following publications: (PMID: 12228710, 31911673, 29884841, 32377563)

Women's Health and Genetics/Laboratory Corporation of America, LabCorp
Classification: Uncertain significance. Last evaluated: 2022-05-04. Review status: criteria provided, single submitter. Criteria: LabCorp Variant Classification Summary - May 2015. Collection method: clinical testing. Allele origin: germline.
Comment: Variant summary: BRCA2 c.9319A>G (p.Ile3107Val) results in a conservative amino acid change located in the BRCA2, oligonucleotide/oligosaccharide-binding, domain 3 (IPR015188) of the encoded protein sequence. Four of five in-silico tools predict a benign effect of the variant on protein function. The variant allele was found at a frequency of 1.2e-05 in 251180 control chromosomes (gnomAD). The available data on variant occurrences in the general population are insufficient to allow any conclusion about variant significance. c.9319A>G has been reported in the literature in individuals affected with Breast Cancer (Ren_2021), however, this report does not provide unequivocal conclusions about association of the variant with Hereditary Breast And Ovarian Cancer Syndrome. To our knowledge, no experimental evidence demonstrating an impact on protein function has been reported. Four ClinVar submitters have assessed the variant since 2014: all four classified the variant as of uncertain significance. Based on the evidence outlined above, the variant was classified as uncertain significance.

Quest Diagnostics Nichols Institute San Juan Capistrano
Classification: Uncertain significance. Last evaluated: 2019-05-07. Review status: criteria provided, single submitter. Criteria: Quest Diagnostics criteria. Collection method: clinical testing. Allele origin: germline.

Genomic Diagnostic Laboratory, Division of Genomic Diagnostics, Children's Hospital of Philadelphia
Classification: Uncertain significance for Hereditary Breast and Ovarian Cancer. Last evaluated: 2015-11-20. Review status: criteria provided, single submitter. Criteria: DGD Variant Analysis Guidelines. Collection method: clinical testing. Allele origin: unknown.

Literature cited by the submitters: PubMed 34196900 (cited by Labcorp Genetics (formerly Invitae), Labcorp and Women's Health and Genetics/Laboratory Corporation of America, LabCorp).